The following is an entry in ClinVar:

ClinVar aggregate classification (germline): Uncertain significance. Review status: criteria provided, multiple submitters, no conflicts (2 of 4 stars). 3 submissions from 3 submitters: Uncertain significance (3). Last evaluated 2021-08-28.

Allele frequency attached by ClinVar (database versions not stated): gnomAD exomes below 0.00001 and 0.00001; gnomAD 0.00001; TOPMed 0.00001; ESP Exome Variant Server 0.00008.
gnomAD v4.1: 9 of 1,613,908 alleles (0.00056%); highest among the groups gnomAD compares: African/African-American, 0.0027%; no homozygotes.

Submissions (3):

Labcorp Genetics (formerly Invitae), Labcorp
Classification: Uncertain significance. Last evaluated: 2021-08-28. Review status: criteria provided, single submitter. Criteria: Invitae Variant Classification Sherloc (09022015). Collection method: clinical testing. Allele origin: germline.
Comment: This sequence change replaces phenylalanine with leucine at codon 345 of the TRPM1 protein (p.Phe345Leu). The phenylalanine residue is highly conserved and there is a small physicochemical difference between phenylalanine and leucine. This variant is not present in population databases (ExAC no frequency). This variant has not been reported in the literature in individuals affected with TRPM1-related conditions. ClinVar contains an entry for this variant (Variation ID: 282021). Algorithms developed to predict the effect of missense changes on protein structure and function are either unavailable or do not agree on the potential impact of this missense change (SIFT: "Deleterious"; PolyPhen-2: "Probably Damaging"; Align-GVGD: "Class C15"). In summary, the available evidence is currently insufficient to determine the role of this variant in disease. Therefore, it has been classified as a Variant of Uncertain Significance.

Blueprint Genetics
Classification: Uncertain significance. Last evaluated: 2021-01-15. Review status: criteria provided, single submitter. Criteria: ACMG Guidelines, 2015. Collection method: clinical testing. Allele origin: germline.

Eurofins Ntd Llc (ga)
Classification: Uncertain significance. Last evaluated: 2015-08-07. Review status: criteria provided, single submitter. Criteria: EGL Classification Definitions 2015. Collection method: clinical testing. Allele origin: germline. Observed: 1 variant allele, 1 heterozygote.

NM_001252024.2(TRPM1):c.1101C>A (p.Phe367Leu)

Gene: TRPM1 (transient receptor potential cation channel subfamily M member 1; minus strand). Cytogenetic location: 15q13.3.
Variant type: single nucleotide variant.
Coding change: c.1101C>A on transcript NM_001252024.2 (MANE Select); coding-DNA position 1101, C replaced by A.
Protein change: p.Phe367Leu; replaces phenylalanine 367 with leucine.
Molecular consequence: missense variant.
Genome position (GRCh38, 1-based): chr15:31,061,503, G>T on the plus strand (C>A on the coding strand, the complement: TRPM1 is on the minus strand). VCF-style: chr15-31061503-G-T. GRCh37 (hg19) VCF-style: chr15-31353706-G-T.
Other names: c.1152C>A, p.Phe384Leu (NM_001252020.2); c.1035C>A, p.Phe345Leu (NM_002420.6); short protein forms F345L, F367L, F384L.
Identifiers: ClinVar variation 282021 (VCV000282021.12), dbSNP rs377055431, ClinGen allele CA10604037.